The following is an entry in ClinVar:

ClinVar aggregate classification (germline): Pathogenic (1 of 4 stars; one submission).

Conditions:
Griscelli syndrome type 2 (GS2). Also called: PAID SYNDROME; PARTIAL ALBINISM AND IMMUNODEFICIENCY SYNDROME; GRISCELLI SYNDROME WITH HEMOPHAGOCYTIC SYNDROME. Identifiers: Orphanet 381, Orphanet 79477, MedGen C1868679, MONDO:0011872, OMIM 607624.

Allele frequency attached by ClinVar (database versions not stated): ExAC 0.00001.
gnomAD v4.1: 1 of 1,606,468 alleles (0.000062%); highest among the groups gnomAD compares: South Asian, 0.0011%; no homozygotes.

Submission:

Labcorp Genetics (formerly Invitae), Labcorp
Classification: Pathogenic for Griscelli syndrome type 2. Last evaluated: 2022-09-02. Review status: criteria provided, single submitter. Criteria: Invitae Variant Classification Sherloc (09022015). Collection method: clinical testing. Allele origin: germline.
Comment: For these reasons, this variant has been classified as Pathogenic. Algorithms developed to predict the effect of sequence changes on RNA splicing suggest that this variant may disrupt the consensus splice site. Disruption of this splice site has been observed in individual(s) with Griscelli syndrome type 2 (PMID: 19953648). This variant is present in population databases (rs757349638, gnomAD 0.003%). This sequence change affects an acceptor splice site in intron 3 of the RAB27A gene. It is expected to disrupt RNA splicing. Variants that disrupt the donor or acceptor splice site typically lead to a loss of protein function (PMID: 16199547), and loss-of-function variants in RAB27A are known to be pathogenic (PMID: 10835631, 23160464).

Literature cited by the submitters: PubMed 19953648; PubMed 16199547; PubMed 10835631; PubMed 23160464.

NM_183235.3(RAB27A):c.240-2A>C

Gene: RAB27A (RAB27A, member RAS oncogene family; minus strand). Cytogenetic location: 15q21.3.
Variant type: single nucleotide variant.
Coding change: c.240-2A>C on transcript NM_183235.3 (MANE Select); the canonical splice acceptor site of the intron before coding-DNA position 240, A replaced by C.
Molecular consequence: splice acceptor variant.
Genome position (GRCh38, 1-based): chr15:55,228,714, T>G on the plus strand (A>C on the coding strand, the complement: RAB27A is on the minus strand). VCF-style: chr15-55228714-T-G. GRCh37 (hg19) VCF-style: chr15-55520912-T-G.
Other names: c.240-2A>C (NM_001438970.1, NM_001438977.1, NM_001438975.1 and 11 more transcripts).
Identifiers: ClinVar variation 2137718 (VCV002137718.4), dbSNP rs757349638, ClinGen allele CA7573639.